The following is an entry in ClinVar:

NM_152641.4(ARID2):c.2369_2373del (p.Thr790fs)

Gene: ARID2 (AT-rich interaction domain 2; plus strand). Cytogenetic location: 12q12.
Variant type: Deletion.
Coding change: c.2369_2373del on transcript NM_152641.4 (MANE Select); coding-DNA positions 2369 to 2373, 5 bases deleted (CAGTA; older notation c.2369_2373delCAGTA).
Protein change: p.Thr790fs; shifts the reading frame from threonine 790.
Molecular consequence: frameshift variant.
Genome position (GRCh38, 1-based): chr12:45,850,492-45,850,496, CAGTA deleted; deleting any 5 consecutive bases within chr12:45,850,490-45,850,496 gives the same sequence; the c. name uses the placement nearest the transcript's 3' end. VCF-style (leftmost placement, unchanged base first): chr12-45850489-TTACAG-T. GRCh37 (hg19) VCF-style: chr12-46244272-TTACAG-T.
Other names: c.2369_2373del, p.Thr790fs (NM_001347839.2); c.2369_2373delCAGTA (NM_152641.4); short protein forms T790fs.
Identifiers: ClinVar variation 3257957 (VCV003257957.3).

ClinVar aggregate classification (germline): Pathogenic (1 of 4 stars; one submission).
ClinVar aggregate classification (oncogenicity): Likely oncogenic (1 of 4 stars; one submission).

Conditions:
Coffin-Siris syndrome 6. Identifiers: MedGen C4540499, MONDO:0033492, OMIM 617808.
Neoplasm. Also called: tumor; Neoplasms; Neoplasm (disease). Identifiers: MedGen C0027651, MeSH D009369, MONDO:0005070, HP:0002664.

Submissions (2):

Clinical Genetics Laboratory, University Hospital Schleswig-Holstein
Classification: Pathogenic for Coffin-Siris syndrome 6. Last evaluated: 2025-11-03. Review status: criteria provided, single submitter. Criteria: ACMG Guidelines, 2015. Collection method: clinical testing. Allele origin: de novo. Affected: yes. Observed: 1 heterozygote.
Comment: ACMG criteria applied: PM2, PVS1, PS2_Moderate

Center for Genomic Medicine, Rigshospitalet, Copenhagen University Hospital
Classification: Likely oncogenic for Neoplasm. Last evaluated: 2025-03-04. Review status: criteria provided, single submitter. Criteria: ClinGen/CGC/VICC Guidelines for Oncogenicity, 2022. Collection method: clinical testing. Allele origin: somatic. Affected: yes.

Literature cited by the submitters: PubMed 32071245 (cited by Center for Genomic Medicine, Rigshospitalet, Copenhagen University Hospital).